The following is an entry in ClinVar:

ClinVar aggregate classification (germline): Uncertain significance (1 of 4 stars; one submission).

Conditions:
Melnick-Fraser syndrome (BOR). Also called: Branchiootorenal syndrome; Branchio-oto-renal syndrome; Branchiootorenal Syndrome (BORS). Identifiers: Orphanet 107, MedGen C0265234, MONDO:0007029.

gnomAD v4.1: 1 of 1,608,520 alleles (0.000062%); highest among the groups gnomAD compares: Non-Finnish European, 0.000085%; no homozygotes.

Submission:

Labcorp Genetics (formerly Invitae), Labcorp
Classification: Uncertain significance for Melnick-Fraser syndrome. Last evaluated: 2024-09-19. Review status: criteria provided, single submitter. Criteria: Invitae Variant Classification Sherloc (09022015). Collection method: clinical testing. Allele origin: germline.
Comment: This sequence change falls in intron 4 of the EYA1 gene. It does not directly change the encoded amino acid sequence of the EYA1 protein. It affects a nucleotide within the consensus splice site. This variant is not present in population databases (gnomAD no frequency). This variant has not been reported in the literature in individuals affected with EYA1-related conditions. Variants that disrupt the consensus splice site are a relatively common cause of aberrant splicing (PMID: 17576681, 9536098). Algorithms developed to predict the effect of sequence changes on RNA splicing suggest that this variant is not likely to affect RNA splicing. In summary, the available evidence is currently insufficient to determine the role of this variant in disease. Therefore, it has been classified as a Variant of Uncertain Significance.

Literature cited by the submitters: PubMed 17576681; PubMed 9536098.

NM_000503.6(EYA1):c.202+5G>C

Gene: EYA1 (EYA transcriptional coactivator and phosphatase 1; minus strand). Cytogenetic location: 8q13.3.
Variant type: single nucleotide variant.
Coding change: c.202+5G>C on transcript NM_000503.6 (MANE Select); 5 bases into the intron after coding-DNA position 202, G replaced by C.
Molecular consequence: intron variant.
Genome position (GRCh38, 1-based): chr8:71,334,092, C>G on the plus strand (G>C on the coding strand, the complement: EYA1 is on the minus strand). VCF-style: chr8-71334092-C-G. GRCh37 (hg19) VCF-style: chr8-72246327-C-G.
Other names: c.289+5G>C (NM_001370336.1, NM_001370333.1, NM_172059.5); c.202+5G>C (NM_001370335.1, NM_001370334.1, NM_001288574.2 and 1 more transcripts); c.103+5G>C (NM_001411797.1, NM_172060.4); c.-83+5G>C (NM_001288575.2).
Identifiers: ClinVar variation 3632256 (VCV003632256.2).